The following is an entry in ClinVar:

NM_014920.5(CILK1):c.94A>G (p.Ile32Val)

Gene: CILK1 (ciliogenesis associated kinase 1; minus strand). Cytogenetic location: 6p12.1.
Variant type: single nucleotide variant.
Coding change: c.94A>G on transcript NM_014920.5 (MANE Select); coding-DNA position 94, A replaced by G.
Protein change: p.Ile32Val; replaces isoleucine 32 with valine.
Molecular consequence: missense variant. On other transcripts: non-coding transcript variant (1).
Genome position (GRCh38, 1-based): chr6:53,041,143, T>C on the plus strand (A>G on the coding strand, the complement: CILK1 is on the minus strand). VCF-style: chr6-53041143-T-C. GRCh37 (hg19) VCF-style: chr6-52905941-T-C.
Other names: c.94A>G, p.Ile32Val (NM_001375397.1, NM_001375398.1, NM_001375399.1 and 4 more transcripts); short protein forms I32V.
Identifiers: ClinVar variation 1311223 (VCV001311223.2), dbSNP rs762276488, ClinGen allele CA3858899.

ClinVar aggregate classification (germline): Uncertain significance (1 of 4 stars; one submission).

Allele frequency attached by ClinVar (database versions not stated): gnomAD exomes below 0.00001 and 0.00001; ExAC 0.00001.
gnomAD v4.1: 3 of 1,609,162 alleles (0.00019%); highest among the groups gnomAD compares: Non-Finnish European, 0.00026%; no homozygotes.

Submission:

GeneDx
Classification: Uncertain significance. Last evaluated: 2019-09-06. Review status: criteria provided, single submitter. Criteria: GeneDx Variant Classification Process June 2021. Collection method: clinical testing. Allele origin: germline. Affected: yes.
Comment: Not observed at a significant frequency in large population cohorts, and no individuals were reported to be homozygous (Lek et al., 2016); In silico analysis, which includes protein predictors and evolutionary conservation, supports that this variant does not alter protein structure/function; Has not been previously published as pathogenic or benign to our knowledge